The following is an entry in ClinVar:

ClinVar aggregate classification (germline): Pathogenic (1 of 4 stars; one submission).

Conditions:
Cardiovascular phenotype. Identifiers: MedGen CN230736.

Submission:

Ambry Genetics
Classification: Pathogenic for Cardiovascular phenotype. Last evaluated: 2019-10-23. Review status: criteria provided, single submitter. Criteria: Ambry Variant Classification Scheme 2023. Collection method: clinical testing. Allele origin: germline.
Comment: The p.Q84* pathogenic mutation (also known as c.250C>T), located in coding exon 2 of the KCNH2 gene, results from a C to T substitution at nucleotide position 250. This changes the amino acid from a glutamine to a stop codon within coding exon 2. This mutation was reported in a long QT genetic testing cohort, although clinical details were not provided (Lieve KV et al. Genet Test Mol Biomarkers, 2013 Jul;17:553-61). This alteration is expected to result in loss of function by premature protein truncation or nonsense-mediated mRNA decay. As such, this alteration is interpreted as a disease-causing mutation.

Literature cited by the submitters: PubMed 23631430.

NM_000238.4(KCNH2):c.250C>T (p.Gln84Ter)

Gene: KCNH2 (potassium voltage-gated channel subfamily H member 2; minus strand). Cytogenetic location: 7q36.1.
Variant type: single nucleotide variant.
Coding change: c.250C>T on transcript NM_000238.4 (MANE Select); coding-DNA position 250, C replaced by T.
Protein change: p.Gln84Ter; replaces glutamine 84 with a stop codon.
Molecular consequence: nonsense.
Genome position (GRCh38, 1-based): chr7:150,974,768, G>A on the plus strand (C>T on the coding strand, the complement: KCNH2 is on the minus strand). VCF-style: chr7-150974768-G-A. GRCh37 (hg19) VCF-style: chr7-150671856-G-A.
Other names: c.73C>T, p.Gln25Ter (NM_001406755.1); c.250C>T, p.Gln84Ter (NM_172056.3); short protein forms Q84*, Q25*.
Identifiers: ClinVar variation 1792370 (VCV001792370.2), dbSNP rs2486155587, ClinGen allele CA369865469.